The following is an entry in ClinVar:

NM_021076.4(NEFH):c.658G>A (p.Ala220Thr)

Gene: NEFH (neurofilament heavy chain; plus strand). Cytogenetic location: 22q12.2.
Variant type: single nucleotide variant.
Coding change: c.658G>A on transcript NM_021076.4 (MANE Select); coding-DNA position 658, G replaced by A.
Protein change: p.Ala220Thr; replaces alanine 220 with threonine.
Molecular consequence: missense variant.
Genome position (GRCh38, 1-based): chr22:29,480,920, G>A. VCF-style: chr22-29480920-G-A. GRCh37 (hg19) VCF-style: chr22-29876909-G-A.
Other names: short protein forms A220T.
Identifiers: ClinVar variation 2957595 (VCV002957595.3), dbSNP rs770208141, ClinGen allele CA323083060.

ClinVar aggregate classification (germline): Uncertain significance (1 of 4 stars; one submission).

Allele frequency attached by ClinVar (database versions not stated): gnomAD 0.00001; TOPMed 0.00001.
gnomAD v4.1: 37 of 1,517,732 alleles (0.0024%); highest among the groups gnomAD compares: Non-Finnish European, 0.0032%; no homozygotes.

Submission:

Labcorp Genetics (formerly Invitae), Labcorp
Classification: Uncertain significance. Last evaluated: 2022-11-08. Review status: criteria provided, single submitter. Criteria: Invitae Variant Classification Sherloc (09022015). Collection method: clinical testing. Allele origin: germline.
Comment: This sequence change replaces alanine, which is neutral and non-polar, with threonine, which is neutral and polar, at codon 220 of the NEFH protein (p.Ala220Thr). The frequency data for this variant in the population databases is considered unreliable, as metrics indicate poor data quality at this position in the gnomAD database. This variant has not been reported in the literature in individuals affected with NEFH-related conditions. Advanced modeling of protein sequence and biophysical properties (such as structural, functional, and spatial information, amino acid conservation, physicochemical variation, residue mobility, and thermodynamic stability) performed at Invitae indicates that this missense variant is not expected to disrupt NEFH protein function. In summary, the available evidence is currently insufficient to determine the role of this variant in disease. Therefore, it has been classified as a Variant of Uncertain Significance.